The following is an entry in ClinVar:

ClinVar aggregate classification (germline): Pathogenic (1 of 4 stars; one submission).

Conditions:
Developmental and epileptic encephalopathy, 32 (DEE32). Also called: Epileptic encephalopathy, early infantile, 32. Identifiers: Orphanet 442835, MedGen C4225350, MONDO:0014607, OMIM 616366.

Allele frequency attached by ClinVar (database versions not stated): gnomAD exomes below 0.00001.
gnomAD v4.1: 2 of 1,614,136 alleles (0.00012%); highest among the groups gnomAD compares: Non-Finnish European, 0.00017%; no homozygotes.

Submission:

Labcorp Genetics (formerly Invitae), Labcorp
Classification: Pathogenic for Developmental and epileptic encephalopathy, 32. Last evaluated: 2022-12-09. Review status: criteria provided, single submitter. Criteria: Invitae Variant Classification Sherloc (09022015). Collection method: clinical testing. Allele origin: germline.
Comment: For these reasons, this variant has been classified as Pathogenic. Algorithms developed to predict the effect of sequence changes on RNA splicing suggest that this variant may create or strengthen a splice site. ClinVar contains an entry for this variant (Variation ID: 974565). This premature translational stop signal has been observed in individual(s) with clinical features of autosomal dominant KCNA2-related disorders (Invitae). In at least one individual the variant was observed to be de novo. This variant is not present in population databases (gnomAD no frequency). This sequence change creates a premature translational stop signal (p.Arg100*) in the KCNA2 gene. While this is not anticipated to result in nonsense mediated decay, it is expected to disrupt the last 400 amino acid(s) of the KCNA2 protein.

NM_004974.4(KCNA2):c.298C>T (p.Arg100Ter)

Gene: KCNA2 (potassium voltage-gated channel subfamily A member 2; minus strand). Cytogenetic location: 1p13.3.
Variant type: single nucleotide variant.
Coding change: c.298C>T on transcript NM_004974.4 (MANE Select); coding-DNA position 298, C replaced by T.
Protein change: p.Arg100Ter; replaces arginine 100 with a stop codon.
Molecular consequence: nonsense.
Genome position (GRCh38, 1-based): chr1:110,604,485, G>A on the plus strand (C>T on the coding strand, the complement: KCNA2 is on the minus strand). VCF-style: chr1-110604485-G-A. GRCh37 (hg19) VCF-style: chr1-111147107-G-A.
Other names: c.298C>T, p.Arg100Ter (NM_001204269.2); short protein forms R100*.
Identifiers: ClinVar variation 974565 (VCV000974565.7), dbSNP rs1649509389, ClinGen allele CA341606001.
Genomic context (GRCh38, chr1:110,604,485, plus strand): 5'-CTCCCAGCTCATAAAACCGAATTTCTTCAGAGAATATATCTAAGGGCACATTCACAGGTC[G>A]CCTCAATCGGCCCCCTGACTGGTAGTAGTACAAAATGGCATCAAAGCTAGGGCGGTTCCG-3'